The following is an entry in ClinVar:

NM_001754.5(RUNX1):c.*3138C>G

Gene: RUNX1 (RUNX family transcription factor 1; minus strand). Cytogenetic location: 21q22.12.
Variant type: single nucleotide variant.
Coding change: c.*3138C>G on transcript NM_001754.5 (MANE Select); 3138 bases downstream of the stop codon, C replaced by G.
Molecular consequence: 3 prime UTR variant.
Genome position (GRCh38, 1-based): chr21:34,788,997, G>C on the plus strand (C>G on the coding strand, the complement: RUNX1 is on the minus strand). VCF-style: chr21-34788997-G-C. GRCh37 (hg19) VCF-style: chr21-36161294-G-C.
Other names: c.*3138C>G (NM_001001890.3).
Identifiers: ClinVar variation 339814 (VCV000339814.6), dbSNP rs886057033, ClinGen allele CA10653552.

ClinVar aggregate classification (germline): Uncertain significance. Review status: reviewed by expert panel (3 of 4 stars). 2 submissions from 2 submitters: Uncertain significance (1). 1 of the submissions does not count toward it. Last evaluated 2024-11-13.

Conditions:
Hereditary thrombocytopenia and hematologic cancer predisposition syndrome. Identifiers: Orphanet 71290, MedGen CN281654, MONDO:0011071.
Hereditary thrombocytopenia and hematological cancer predisposition syndrome associated with RUNX1. Also called: PLATELET DISORDER, ASPIRIN-LIKE; RUNX1 Familial Platelet Disorder with Associated Myeloid Malignancies; Familial Platelet Disorder with Propensity to Acute Myelogenous Leukemia; Familial thrombocytopenia with propensity to acute myelogenous leukemia. Identifiers: Orphanet 71290, MedGen C1832388, MeSH C563324, MONDO:0100083, OMIM 601399.

Allele frequency attached by ClinVar (database versions not stated): gnomAD 0.00001; TOPMed 0.00002.
gnomAD v4.1: 4 of 233,192 alleles (0.0017%); highest among the groups gnomAD compares: East Asian, 0.006%; no homozygotes.

Submissions (2):

ClinGen Myeloid Malignancy Variant Curation Expert Panel
Classification: Uncertain significance for Hereditary thrombocytopenia and hematologic cancer predisposition syndrome. Last evaluated: 2024-11-13. Review status: reviewed by expert panel. Criteria: ClinGen MyeloMalig ACMG Specifications v2. Collection method: curation. Allele origin: germline. Inheritance: Autosomal dominant inheritance.
Comment: NM_001754.5(RUNX1):c.*3138C>G is a 3' UTR variant which does not meet any ACMG/AMP criteria. In summary, the clinical significance of this variant is uncertain. ACMG/AMP criteria applied, as specified by the Myeloid Malignancy Variant Curation Expert Panel for RUNX1: None.

Illumina Laboratory Services, Illumina
Classification: Uncertain significance for Hereditary thrombocytopenia and hematological cancer predisposition syndrome associated with RUNX1. Last evaluated: 2018-01-13. Review status: criteria provided, single submitter. Criteria: ICSL Variant Classification Criteria 13 December 2019. Collection method: clinical testing. Allele origin: germline. Not counted in ClinVar's aggregate classification.